The following is an entry in ClinVar:

NM_000545.8(HNF1A):c.327-14T>C

Gene: HNF1A (HNF1 homeobox A; plus strand). Cytogenetic location: 12q24.31.
Variant type: single nucleotide variant.
Coding change: c.327-14T>C on transcript NM_000545.8 (MANE Select); 14 bases into the intron before coding-DNA position 327, T replaced by C.
Molecular consequence: intron variant.
Genome position (GRCh38, 1-based): chr12:120,988,819, T>C. VCF-style: chr12-120988819-T-C. GRCh37 (hg19) VCF-style: chr12-121426622-T-C.
Other names: c.327-14T>C (NM_001306179.2).
Identifiers: ClinVar variation 307458 (VCV000307458.11), dbSNP rs886049033, ClinGen allele CA10640432.

ClinVar aggregate classification (germline): Uncertain significance. Review status: reviewed by expert panel (3 of 4 stars). 4 submissions from 4 submitters: Uncertain significance (1). 3 of the submissions do not count toward it. Last evaluated 2025-06-18.

Conditions:
Monogenic diabetes. Identifiers: Orphanet 183625, MedGen C3888631, MONDO:0015967.
Maturity-onset diabetes of the young (MODY). Also called: Maturity onset diabetes mellitus in young. Identifiers: Orphanet 552, MedGen C0342276, MONDO:0018911, HP:0004904.
Maturity-onset diabetes of the young type 3. Also called: MODY, type III; MODY type 3. Identifiers: Orphanet 552, MedGen C1838100, MeSH C563933, MONDO:0010894, OMIM 600496. Disease mechanism: loss of function.

Allele frequency attached by ClinVar (database versions not stated): gnomAD exomes below 0.00001.
gnomAD v4.1: 1 of 1,613,942 alleles (0.000062%); highest among the groups gnomAD compares: Non-Finnish European, 0.000085%; no homozygotes.

Submissions (4):

ClinGen Monogenic Diabetes Variant Curation Expert Panel
Classification: Uncertain significance for Monogenic diabetes. Last evaluated: 2025-06-18. Review status: reviewed by expert panel. Criteria: ClinGen Diabetes ACMG Specifications HNF1A V2.1.0. Collection method: curation. Allele origin: germline. Inheritance: Autosomal dominant inheritance.
Comment: The c.327-14T>C variant in the HNF1 homeobox A gene, HNF1A, is a single nucleotide variant within intron 1 of NM_000545.8. This variant is absent from gnomAD v2.1.1 (PM2_Supporting). Also, the computational splicing predictor SpliceAI gives a score of 0.00 for acceptor loss, suggesting that the variant has no impact on splicing (BP4). In summary, c.327-14T>C meets the criteria to be classified as a variant of uncertain significance for monogenic diabetes. ACMG/AMP criteria applied, as specified by the ClinGen MDEP (specification version 2.1.0, approved 8/11/2023): PM2_Supporting, BP4.

Labcorp Genetics (formerly Invitae), Labcorp
Classification: Likely benign. Last evaluated: 2025-12-19. Review status: criteria provided, single submitter. Criteria: Invitae Variant Classification Sherloc (09022015). Collection method: clinical testing. Allele origin: germline. Not counted in ClinVar's aggregate classification.

Illumina Laboratory Services, Illumina
Classification: Uncertain significance for Maturity-onset diabetes of the young type 3. Last evaluated: 2018-01-12. Review status: criteria provided, single submitter. Criteria: ICSL Variant Classification Criteria 13 December 2019. Collection method: clinical testing. Allele origin: germline. Not counted in ClinVar's aggregate classification.

Clinical Genomics, Uppaluri K&H Personalized Medicine Clinic
Classification: Benign for Maturity-onset diabetes of the young. Review status: criteria provided, single submitter. Criteria: K & H Uppaluri Personalized Medicine Clinic Variant Classification & Assertion Criteria_Updated V.1. Collection method: research. Allele origin: unknown. Inheritance: Autosomal dominant inheritance. Not counted in ClinVar's aggregate classification.
Comment: Mutations in HNF1A gene can predispose to MODY3. It is associated with both micro and macrovascular complications of diabetes, especially cardiovascular complications. Associated with glucosuria. May respond well to sulfonylureas. However, more evidence is required to confer the association of this particular variant rs886049033 with MODY3.

Literature cited by the submitters: PubMed 31517624 (cited by Clinical Genomics, Uppaluri K&H Personalized Medicine Clinic); PubMed 32395877 (cited by Clinical Genomics, Uppaluri K&H Personalized Medicine Clinic); PubMed 35328643 (cited by Clinical Genomics, Uppaluri K&H Personalized Medicine Clinic); PubMed 35673428 (cited by Clinical Genomics, Uppaluri K&H Personalized Medicine Clinic).